The following is an entry in ClinVar:

NM_005909.5(MAP1B):c.5786C>T (p.Thr1929Ile)

Gene: MAP1B (microtubule associated protein 1B; plus strand). Cytogenetic location: 5q13.2.
Variant type: single nucleotide variant.
Coding change: c.5786C>T on transcript NM_005909.5 (MANE Select); coding-DNA position 5786, C replaced by T.
Protein change: p.Thr1929Ile; replaces threonine 1929 with isoleucine.
Molecular consequence: missense variant.
Genome position (GRCh38, 1-based): chr5:72,199,141, C>T. VCF-style: chr5-72199141-C-T. GRCh37 (hg19) VCF-style: chr5-71494968-C-T.
Other names: c.5408C>T, p.Thr1803Ile (NM_001324255.2); short protein forms T1803I, T1929I.
Identifiers: ClinVar variation 4891068 (VCV004891068.1).

ClinVar aggregate classification (germline): Uncertain significance (1 of 4 stars; one submission).

Submission:

Greenwood Genetic Center Diagnostic Laboratories, Greenwood Genetic Center
Classification: Uncertain significance. Last evaluated: 2026-05-12. Review status: criteria provided, single submitter. Criteria: ACMG Guidelines, 2015. Collection method: clinical testing. Allele origin: germline.
Comment: PM2, BP4, PP2